The following is an entry in ClinVar:

NM_003797.5(EED):c.773A>T (p.His258Leu)

Gene: EED (embryonic ectoderm development; plus strand). Cytogenetic location: 11q14.2.
Variant type: single nucleotide variant.
Coding change: c.773A>T on transcript NM_003797.5 (MANE Select); coding-DNA position 773, A replaced by T.
Protein change: p.His258Leu; replaces histidine 258 with leucine.
Molecular consequence: missense variant. On other transcripts: intron variant (1).
Genome position (GRCh38, 1-based): chr11:86,266,129, A>T. VCF-style: chr11-86266129-A-T. GRCh37 (hg19) VCF-style: chr11-85977171-A-T.
Other names: c.773A>T, p.His258Leu (NM_001308007.2); c.726+1866A>T (NM_001330334.2); short protein forms H258L.
Identifiers: ClinVar variation 3765780 (VCV003765780.1).

ClinVar aggregate classification (germline): Likely pathogenic (1 of 4 stars; one submission).

Conditions:
Cohen-Gibson syndrome (COGIS). Also called: EED-Related Overgrowth. Identifiers: Orphanet 659396, MedGen C4479654, MONDO:0060510, OMIM 617561.

Submission:

Greenwood Genetic Center Diagnostic Laboratories, Greenwood Genetic Center
Classification: Likely pathogenic for Cohen-Gibson syndrome. Last evaluated: 2024-11-21. Review status: criteria provided, single submitter. Criteria: ACMG Guidelines, 2015. Collection method: clinical testing. Allele origin: germline. Affected: yes.
Comment: PS2, PS3_Moderate, PM2, PM5_Supporting